The following is an entry in ClinVar:

NM_001388490.1(MAP7D1):c.108A>C (p.Pro36=)

Gene: MAP7D1 (MAP7 domain containing 1; plus strand). Cytogenetic location: 1p34.3.
Variant type: single nucleotide variant.
Coding change: c.108A>C on transcript NM_001388490.1 (MANE Select); coding-DNA position 108, A replaced by C.
Protein change: p.Pro36=; no amino-acid change (proline 36 retained).
Molecular consequence: synonymous variant.
Genome position (GRCh38, 1-based): chr1:36,171,032, A>C. VCF-style: chr1-36171032-A-C. GRCh37 (hg19) VCF-style: chr1-36636633-A-C.
Other names: c.108A>C, p.Pro36= (NM_018067.5, NM_001286365.2, NM_001286366.2).
Identifiers: ClinVar variation 2638668 (VCV002638668.24), dbSNP rs530295377, ClinGen allele CA765434.

ClinVar aggregate classification (germline): Likely benign (1 of 4 stars; one submission).

Allele frequency attached by ClinVar (database versions not stated): ExAC 0.00009; 1000 Genomes Project 30x 0.00109; 1000 Genomes Project 0.02137.

Submission:

CeGaT Center for Human Genetics Tuebingen
Classification: Likely benign. Last evaluated: 2023-03-01. Review status: criteria provided, single submitter. Criteria: CeGaT Center For Human Genetics Tuebingen Variant Classification Criteria Version 2. Collection method: clinical testing. Allele origin: germline. Affected: yes. Observed: 1 variant allele.
Comment: MAP7D1: BP4, BP7